The following is an entry in ClinVar:

ClinVar aggregate classification (germline): Uncertain significance (1 of 4 stars; one submission).

Allele frequency attached by ClinVar (database versions not stated): gnomAD exomes below 0.00001.
gnomAD v4.1: 1 of 1,614,202 alleles (0.000062%); highest among the groups gnomAD compares: African/African-American, 0.0013%; no homozygotes.

Submission:

Labcorp Genetics (formerly Invitae), Labcorp
Classification: Uncertain significance. Last evaluated: 2022-05-07. Review status: criteria provided, single submitter. Criteria: Invitae Variant Classification Sherloc (09022015). Collection method: clinical testing. Allele origin: germline.
Comment: In summary, the available evidence is currently insufficient to determine the role of this variant in disease. Therefore, it has been classified as a Variant of Uncertain Significance. Advanced modeling of protein sequence and biophysical properties (such as structural, functional, and spatial information, amino acid conservation, physicochemical variation, residue mobility, and thermodynamic stability) performed at Invitae indicates that this missense variant is not expected to disrupt CNGB1 protein function. This variant has not been reported in the literature in individuals affected with CNGB1-related conditions. This variant is present in population databases (no rsID available, gnomAD 0.007%). This sequence change replaces alanine, which is neutral and non-polar, with serine, which is neutral and polar, at codon 1140 of the CNGB1 protein (p.Ala1140Ser).

NM_001297.5(CNGB1):c.3418G>T (p.Ala1140Ser)

Gene: CNGB1 (cyclic nucleotide gated channel subunit beta 1; minus strand). Cytogenetic location: 16q21.
Variant type: single nucleotide variant.
Coding change: c.3418G>T on transcript NM_001297.5 (MANE Select); coding-DNA position 3418, G replaced by T.
Protein change: p.Ala1140Ser; replaces alanine 1140 with serine.
Molecular consequence: missense variant.
Genome position (GRCh38, 1-based): chr16:57,887,899, C>A on the plus strand (G>T on the coding strand, the complement: CNGB1 is on the minus strand). VCF-style: chr16-57887899-C-A. GRCh37 (hg19) VCF-style: chr16-57921803-C-A.
Other names: c.3400G>T, p.Ala1134Ser (NM_001286130.2); short protein forms A1134S, A1140S.
Identifiers: ClinVar variation 2134920 (VCV002134920.4), dbSNP rs1223537934, ClinGen allele CA396061932.